The following is an entry in ClinVar:

NM_000064.4(C3):c.4180G>C (p.Gly1394Arg)

Gene: C3 (complement C3; minus strand). Cytogenetic location: 19p13.3.
Variant type: single nucleotide variant.
Coding change: c.4180G>C on transcript NM_000064.4 (MANE Select); coding-DNA position 4180, G replaced by C.
Protein change: p.Gly1394Arg; replaces glycine 1394 with arginine.
Molecular consequence: missense variant.
Genome position (GRCh38, 1-based): chr19:6,682,222, C>G on the plus strand (G>C on the coding strand, the complement: C3 is on the minus strand). VCF-style: chr19-6682222-C-G. GRCh37 (hg19) VCF-style: chr19-6682233-C-G.
Other names: short protein forms G1394R.
Identifiers: ClinVar variation 2978868 (VCV002978868.3), dbSNP rs200597513, ClinGen allele CA9128477.

ClinVar aggregate classification (germline): Uncertain significance (1 of 4 stars; one submission).

gnomAD v4.1: 6 of 1,612,656 alleles (0.00037%); highest among the groups gnomAD compares: Admixed American, 0.0083%; no homozygotes.

Submission:

Labcorp Genetics (formerly Invitae), Labcorp
Classification: Uncertain significance. Last evaluated: 2023-11-19. Review status: criteria provided, single submitter. Criteria: Invitae Variant Classification Sherloc (09022015). Collection method: clinical testing. Allele origin: germline.
Comment: This sequence change replaces glycine, which is neutral and non-polar, with arginine, which is basic and polar, at codon 1394 of the C3 protein (p.Gly1394Arg). This variant is present in population databases (rs200597513, gnomAD 0.01%). This variant has not been reported in the literature in individuals affected with C3-related conditions. Advanced modeling of protein sequence and biophysical properties (such as structural, functional, and spatial information, amino acid conservation, physicochemical variation, residue mobility, and thermodynamic stability) performed at Invitae indicates that this missense variant is not expected to disrupt C3 protein function with a negative predictive value of 80%. In summary, the available evidence is currently insufficient to determine the role of this variant in disease. Therefore, it has been classified as a Variant of Uncertain Significance.